The following is an entry in ClinVar:

NM_001378743.1(CYLD):c.1990A>T (p.Lys664Ter)

Genes: CYLD (CYLD lysine 63 deubiquitinase; plus strand), CYLD-AS2 (CYLD antisense RNA 2; minus strand). Cytogenetic location: 16q12.1.
Variant type: single nucleotide variant.
Coding change: c.1990A>T on transcript NM_001378743.1 (MANE Select); coding-DNA position 1990, A replaced by T.
Protein change: p.Lys664Ter; replaces lysine 664 with a stop codon.
Molecular consequence: nonsense. On other transcripts: non-coding transcript variant (1).
Genome position (GRCh38, 1-based): chr16:50,786,895, A>T. VCF-style: chr16-50786895-A-T. GRCh37 (hg19) VCF-style: chr16-50820806-A-T.
Other names: c.1981A>T, p.Lys661Ter (NM_001378744.1, NM_001378745.1, NM_001378746.1 and 6 more transcripts); c.1951A>T, p.Lys651Ter (NM_001378751.1, NM_001378752.1, NM_001378753.1); c.1990A>T, p.Lys664Ter (NM_015247.3); c.1315A>T, p.Lys439Ter (NM_001378754.1, NM_001378755.1); short protein forms K439*, K651*, K661*, K664*.
Identifiers: ClinVar variation 4856697 (VCV004856697.1).
Genomic context (GRCh38, chr16:50,786,895, plus strand): 5'-ATAGTTTTTTACTAACTTAGATATGGATATGTGTGTGCCACAAAAATTATGAAACTGAGG[A>T]AAATACTTGAAAAGGTGGAGGCTGCATCAGGATTTACCTCTGAAGAAAAAGGTGACCATC-3'

ClinVar aggregate classification (germline): Pathogenic (1 of 4 stars; one submission).

Conditions:
Multiple monogenic benign skin tumours.

Submission:

Genetics Laboratory, Great Ormond Street Hospital NHS Foundation Trust, North Thames Genomic Laboratory Hub
Classification: Pathogenic for Multiple monogenic benign skin tumours. Last evaluated: 2026-04-22. Review status: criteria provided, single submitter. Criteria: ACGS Best Practice Guidelines for Variant Classification in Rare Disease 2024 v1.2. Collection method: clinical testing. Allele origin: germline. Affected: yes.
Comment: PM2_moderate, PVS1_very-strong, PP4_supporting